The following is an entry in ClinVar:

ClinVar aggregate classification (germline): Uncertain significance (1 of 4 stars; one submission).

Conditions:
Werner syndrome (WRN). Identifiers: Orphanet 902, MedGen C0043119, MONDO:0010196, OMIM 277700.

Submission:

Labcorp Genetics (formerly Invitae), Labcorp
Classification: Uncertain significance for Werner syndrome. Last evaluated: 2024-04-25. Review status: criteria provided, single submitter. Criteria: Invitae Variant Classification Sherloc (09022015). Collection method: clinical testing. Allele origin: germline.
Comment: This sequence change replaces aspartic acid, which is acidic and polar, with alanine, which is neutral and non-polar, at codon 152 of the WRN protein (p.Asp152Ala). This variant is not present in population databases (gnomAD no frequency). This variant has not been reported in the literature in individuals affected with WRN-related conditions. An algorithm developed to predict the effect of missense changes on protein structure and function (PolyPhen-2) suggests that this variant is likely to be disruptive. In summary, the available evidence is currently insufficient to determine the role of this variant in disease. Therefore, it has been classified as a Variant of Uncertain Significance.

NM_000553.6(WRN):c.455A>C (p.Asp152Ala)

Gene: WRN (WRN RecQ like helicase; plus strand). Cytogenetic location: 8p12.
Variant type: single nucleotide variant.
Coding change: c.455A>C on transcript NM_000553.6 (MANE Select); coding-DNA position 455, A replaced by C.
Protein change: p.Asp152Ala; replaces aspartic acid 152 with alanine.
Molecular consequence: missense variant.
Genome position (GRCh38, 1-based): chr8:31,065,014, A>C. VCF-style: chr8-31065014-A-C. GRCh37 (hg19) VCF-style: chr8-30922530-A-C.
Other names: short protein forms D152A.
Identifiers: ClinVar variation 3651219 (VCV003651219.2).